The following is an entry in ClinVar:

ClinVar aggregate classification (germline): Uncertain significance. Review status: criteria provided, multiple submitters, no conflicts (2 of 4 stars). 3 submissions from 3 submitters: Uncertain significance (3). Last evaluated 2025-08-23.

Conditions:
Inborn genetic diseases. Identifiers: MedGen C0950123, MeSH D030342.

Allele frequency attached by ClinVar (database versions not stated): gnomAD 0.00001; gnomAD exomes 0.00001; TOPMed 0.00002.
gnomAD v4.1: 5 of 1,612,768 alleles (0.00031%); highest among the groups gnomAD compares: Admixed American, 0.0067%; no homozygotes.

Submissions (3):

Ambry Genetics
Classification: Uncertain significance for Inborn genetic diseases. Last evaluated: 2025-08-23. Review status: criteria provided, single submitter. Criteria: Ambry Variant Classification Scheme 2023. Collection method: clinical testing. Allele origin: germline.

Labcorp Genetics (formerly Invitae), Labcorp
Classification: Uncertain significance. Last evaluated: 2025-04-29. Review status: criteria provided, single submitter. Criteria: Invitae Variant Classification Sherloc (09022015). Collection method: clinical testing. Allele origin: germline.
Comment: This sequence change replaces proline, which is neutral and non-polar, with serine, which is neutral and polar, at codon 76 of the POMP protein (p.Pro76Ser). This variant is present in population databases (rs772222545, gnomAD 0.009%). This variant has not been reported in the literature in individuals affected with POMP-related conditions. ClinVar contains an entry for this variant (Variation ID: 392303). An algorithm developed to predict the effect of missense changes on protein structure and function (PolyPhen-2) suggests that this variant is likely to be tolerated. In summary, the available evidence is currently insufficient to determine the role of this variant in disease. Therefore, it has been classified as a Variant of Uncertain Significance.

GeneDx
Classification: Uncertain significance. Last evaluated: 2017-01-09. Review status: criteria provided, single submitter. Criteria: GeneDx Variant Classification (06012015). Collection method: clinical testing. Allele origin: germline. Affected: yes.
Comment: The P76S variant in the POMP gene has not been reported previously as a pathogenic variant, nor as a benign variant, to our knowledge. It was not observed in approximately 6,500 individuals of European and African American ancestry in the NHLBI Exome Sequencing Project, indicating it is not a common benign variant in these populations. P76S is a non-conservative amino acid substitution, which is likely to impact secondary protein structure as these residues differ in polarity, charge, size and/or other properties. This substitution occurs at a position that is conserved across species and in silico analysis predicts this variant is probably damaging to the protein structure/function. However, no pathogenic missense variants have been reported in this gene thus far, and no other reported variant is located in the vicinity of P76S according to the Human Gene Mutation Database in association with POMP-related disorders. Therefore, we interpret P76S as a variant of uncertain significance.

NM_015932.6(POMP):c.226C>T (p.Pro76Ser)

Gene: POMP (proteasome maturation protein; plus strand). Cytogenetic location: 13q12.3.
Variant type: single nucleotide variant.
Coding change: c.226C>T on transcript NM_015932.6 (MANE Select); coding-DNA position 226, C replaced by T.
Protein change: p.Pro76Ser; replaces proline 76 with serine.
Molecular consequence: missense variant.
Genome position (GRCh38, 1-based): chr13:28,668,536, C>T. VCF-style: chr13-28668536-C-T. GRCh37 (hg19) VCF-style: chr13-29242673-C-T.
Other names: short protein forms P76S.
Identifiers: ClinVar variation 392303 (VCV000392303.7), dbSNP rs772222545, ClinGen allele CA16606758.